The following is an entry in ClinVar:

NM_003476.5(CSRP3):c.15C>T (p.Gly5=)

Gene: CSRP3 (cysteine and glycine rich protein 3; minus strand). Cytogenetic location: 11p15.1.
Variant type: single nucleotide variant.
Coding change: c.15C>T on transcript NM_003476.5 (MANE Select); coding-DNA position 15, C replaced by T.
Protein change: p.Gly5=; no amino-acid change (glycine 5 retained).
Molecular consequence: synonymous variant.
Genome position (GRCh38, 1-based): chr11:19,192,434, G>A on the plus strand (C>T on the coding strand, the complement: CSRP3 is on the minus strand). VCF-style: chr11-19192434-G-A. GRCh37 (hg19) VCF-style: chr11-19213981-G-A.
Other names: c.15C>T (NM_003476.3); c.15C>T, p.Gly5= (NM_001369404.1).
Identifiers: ClinVar variation 1151335 (VCV001151335.14), dbSNP rs747959696, ClinGen allele CA5916689.

ClinVar aggregate classification (germline): Likely benign. Review status: criteria provided, multiple submitters, no conflicts (2 of 4 stars). 3 submissions from 3 submitters: Likely benign (3). Last evaluated 2026-01-07.

Conditions:
Cardiovascular phenotype. Identifiers: MedGen CN230736.
Hypertrophic cardiomyopathy 12. Identifiers: MedGen C2677491, MONDO:0012804, OMIM 612124.
Dilated cardiomyopathy 1M (CMD1M). Identifiers: Orphanet 154, MedGen C1843808, MONDO:0011840, OMIM 607482.

Allele frequency attached by ClinVar (database versions not stated): gnomAD 0.00001 and 0.00002; gnomAD exomes 0.00003 and 0.00006; TOPMed 0.00003; ExAC 0.00009.
gnomAD v4.1: 42 of 1,613,894 alleles (0.0026%); highest among the groups gnomAD compares: Middle Eastern, 0.016%; no homozygotes.

Submissions (3):

Labcorp Genetics (formerly Invitae), Labcorp
Classification: Likely benign for Hypertrophic cardiomyopathy 12; Dilated cardiomyopathy 1M. Last evaluated: 2026-01-07. Review status: criteria provided, single submitter. Criteria: Invitae Variant Classification Sherloc (09022015). Collection method: clinical testing. Allele origin: germline.

CeGaT Center for Human Genetics Tuebingen
Classification: Likely benign. Last evaluated: 2026-01-01. Review status: criteria provided, single submitter. Criteria: CeGaT Center For Human Genetics Tuebingen Variant Classification Criteria Version 2. Collection method: clinical testing. Allele origin: germline. Affected: yes. Observed: 1 variant allele.
Comment: CSRP3: BP4, BP7

Ambry Genetics
Classification: Likely benign for Cardiovascular phenotype. Last evaluated: 2022-11-15. Review status: criteria provided, single submitter. Criteria: Ambry Variant Classification Scheme 2023. Collection method: clinical testing. Allele origin: germline.